The following is an entry in ClinVar:

NM_006088.6(TUBB4B):c.1229A>T (p.Glu410Val)

Gene: TUBB4B (tubulin beta 4B class IVb; plus strand). Cytogenetic location: 9q34.3.
Variant type: single nucleotide variant.
Coding change: c.1229A>T on transcript NM_006088.6 (MANE Select); coding-DNA position 1229, A replaced by T.
Protein change: p.Glu410Val; replaces glutamic acid 410 with valine.
Molecular consequence: missense variant.
Genome position (GRCh38, 1-based): chr9:137,243,447, A>T. VCF-style: chr9-137243447-A-T. GRCh37 (hg19) VCF-style: chr9-140137899-A-T.
Other names: short protein forms E410V.
Identifiers: ClinVar variation 4830016 (VCV004830016.1).

ClinVar aggregate classification (germline): Likely pathogenic (1 of 4 stars; one submission).

Conditions:
Inborn genetic diseases. Identifiers: MedGen C0950123, MeSH D030342.

Submission:

Ambry Genetics
Classification: Likely pathogenic for Inborn genetic diseases. Last evaluated: 2026-02-20. Review status: criteria provided, single submitter. Criteria: Ambry Variant Classification Scheme 2023. Collection method: clinical testing. Allele origin: germline.
Comment: The c.1229A>T (p.E410V) alteration is located in coding exon 4 of the TUBB4B gene. This alteration results from a A to T substitution at nucleotide position 1229, causing the glutamic acid (E) at amino acid position 410 to be replaced by a valine (V). This variant was not reported in population-based cohorts in the Genome Aggregation Database (gnomAD). This amino acid position is highly conserved in available vertebrate species. This alteration is predicted to be deleterious by in silico analysis. Based on the available evidence, this alteration is classified as likely pathogenic.

Literature cited by the submitters: PubMed 17124495; PubMed 24526230; PubMed 24850488.